The following is an entry in ClinVar:

NM_004456.5(EZH2):c.1460C>T (p.Ala487Val)

Gene: EZH2 (enhancer of zeste 2 polycomb repressive complex 2 subunit; minus strand). Cytogenetic location: 7q36.1.
Variant type: single nucleotide variant.
Coding change: c.1460C>T on transcript NM_004456.5 (MANE Select); coding-DNA position 1460, C replaced by T.
Protein change: p.Ala487Val; replaces alanine 487 with valine.
Molecular consequence: missense variant.
Genome position (GRCh38, 1-based): chr7:148,816,729, G>A on the plus strand (C>T on the coding strand, the complement: EZH2 is on the minus strand). VCF-style: chr7-148816729-G-A. GRCh37 (hg19) VCF-style: chr7-148513821-G-A.
Other names: c.1445C>T, p.Ala482Val (NM_001203247.2); c.1418C>T, p.Ala473Val (NM_001203248.2, NM_001203249.2); c.1328C>T, p.Ala443Val (NM_152998.3); short protein forms A482V, A443V, A473V, A487V.
Identifiers: ClinVar variation 4743204 (VCV004743204.1).
Genomic context (GRCh38, chr7:148,816,729, plus strand): 5'-TCATGACAGACTCACCGGTGTTTCCTCTTCTTTTTCCTTGGAGGAGTATCCACATCCTCA[G>A]CGGGAGCTGGAGCTATGATGCTAGATTCTTTGACTCTAAACTCATACACCTGACAAGAGG-3'
Protein context (NP_004447.2, residues 477-497): KESSIIAPAP[Ala487Val]EDVDTPPRKK

ClinVar aggregate classification (germline): Uncertain significance (1 of 4 stars; one submission).

Conditions:
Weaver syndrome (WVS). Also called: Weaver Smith syndrome; Overgrowth syndrome with accelerated skeletal maturation, unusual facies, and camptodactyly. Identifiers: Orphanet 3447, MedGen C0265210, MONDO:0010193, OMIM 277590.

Submission:

Labcorp Genetics (formerly Invitae), Labcorp
Classification: Uncertain significance for Weaver syndrome. Last evaluated: 2025-08-14. Review status: criteria provided, single submitter. Criteria: Invitae Variant Classification Sherloc (09022015). Collection method: clinical testing. Allele origin: germline.
Comment: This sequence change replaces alanine, which is neutral and non-polar, with valine, which is neutral and non-polar, at codon 487 of the EZH2 protein (p.Ala487Val). This variant is not present in population databases (gnomAD no frequency). This variant has not been reported in the literature in individuals affected with EZH2-related conditions. Invitae Evidence Modeling of protein sequence and biophysical properties (such as structural, functional, and spatial information, amino acid conservation, physicochemical variation, residue mobility, and thermodynamic stability) indicates that this missense variant is not expected to disrupt EZH2 protein function with a negative predictive value of 80%. In summary, the available evidence is currently insufficient to determine the role of this variant in disease. Therefore, it has been classified as a Variant of Uncertain Significance.